The following is an entry in ClinVar:

NM_030773.4(TUBB1):c.505G>A (p.Val169Ile)

Gene: TUBB1 (tubulin beta 1 class VI; plus strand). Cytogenetic location: 20q13.32.
Variant type: single nucleotide variant.
Coding change: c.505G>A on transcript NM_030773.4 (MANE Select); coding-DNA position 505, G replaced by A.
Protein change: p.Val169Ile; replaces valine 169 with isoleucine.
Molecular consequence: missense variant.
Genome position (GRCh38, 1-based): chr20:59,023,932, G>A. VCF-style: chr20-59023932-G-A. GRCh37 (hg19) VCF-style: chr20-57598987-G-A.
Other names: short protein forms V169I.
Identifiers: ClinVar variation 2871652 (VCV002871652.3), dbSNP rs764400206, ClinGen allele CA9928517.

ClinVar aggregate classification (germline): Uncertain significance (1 of 4 stars; one submission).

Allele frequency attached by ClinVar (database versions not stated): ExAC 0.00002.

Submission:

Labcorp Genetics (formerly Invitae), Labcorp
Classification: Uncertain significance. Last evaluated: 2025-11-02. Review status: criteria provided, single submitter. Criteria: Invitae Variant Classification Sherloc (09022015). Collection method: clinical testing. Allele origin: germline.
Comment: This sequence change replaces valine, which is neutral and non-polar, with isoleucine, which is neutral and non-polar, at codon 169 of the TUBB1 protein (p.Val169Ile). The frequency data for this variant in the population databases is considered unreliable, as metrics indicate poor data quality at this position in the gnomAD database. This variant has not been reported in the literature in individuals affected with TUBB1-related conditions. ClinVar contains an entry for this variant (Variation ID: 2871652). An algorithm developed to predict the effect of missense changes on protein structure and function outputs the following: PolyPhen-2: "Benign". The isoleucine amino acid residue is found in multiple mammalian species, which suggests that this missense change does not adversely affect protein function. In summary, the available evidence is currently insufficient to determine the role of this variant in disease. Therefore, it has been classified as a Variant of Uncertain Significance.